The following is an entry in ClinVar:

ClinVar aggregate classification (germline): Likely pathogenic (1 of 4 stars; one submission).

Conditions:
Nemaline myopathy 2 (NEM2). Also called: Nemaline myopathy 2, autosomal recessive. Identifiers: MedGen C1850569, MONDO:0009725, OMIM 256030.

Submission:

Labcorp Genetics (formerly Invitae), Labcorp
Classification: Likely pathogenic for Nemaline myopathy 2. Last evaluated: 2023-12-09. Review status: criteria provided, single submitter. Criteria: Invitae Variant Classification Sherloc (09022015). Collection method: clinical testing. Allele origin: germline.
Comment: This sequence change affects an acceptor splice site in intron 62 of the NEB gene. It is expected to disrupt RNA splicing. Variants that disrupt the donor or acceptor splice site typically lead to a loss of protein function (PMID: 16199547), and loss-of-function variants in NEB are known to be pathogenic (PMID: 25205138). This variant is not present in population databases (gnomAD no frequency). This variant has not been reported in the literature in individuals affected with NEB-related conditions. Algorithms developed to predict the effect of sequence changes on RNA splicing suggest that this variant may disrupt the consensus splice site. In summary, the currently available evidence indicates that the variant is pathogenic, but additional data are needed to prove that conclusively. Therefore, this variant has been classified as Likely Pathogenic.

Literature cited by the submitters: PubMed 16199547; PubMed 25205138.

NM_001164508.2(NEB):c.8890-1G>A

Gene: NEB (nebulin; minus strand). Cytogenetic location: 2q23.3.
Variant type: single nucleotide variant.
Coding change: c.8890-1G>A on transcript NM_001164508.2 (MANE Select); the canonical splice acceptor site of the intron before coding-DNA position 8890, G replaced by A.
Molecular consequence: splice acceptor variant. On other transcripts: intron variant (1).
Genome position (GRCh38, 1-based): chr2:151,639,385, C>T on the plus strand (G>A on the coding strand, the complement: NEB is on the minus strand). VCF-style: chr2-151639385-C-T. GRCh37 (hg19) VCF-style: chr2-152495899-C-T.
Other names: c.8853+508G>A (NM_004543.5); c.8890-1G>A (NM_001164507.2, NM_001271208.2).
Identifiers: ClinVar variation 2701554 (VCV002701554.3), dbSNP rs2552242956, ClinGen allele CA348807841.